The following is an entry in ClinVar:

ClinVar aggregate classification (germline): Uncertain significance. Review status: criteria provided, multiple submitters, no conflicts (2 of 4 stars). 2 submissions from 2 submitters: Uncertain significance (2). Last evaluated 2025-12-10.

Allele frequency attached by ClinVar (database versions not stated): gnomAD 0.00004; TOPMed 0.00005; ESP Exome Variant Server 0.00015.
gnomAD v4.1: 31 of 1,613,448 alleles (0.0019%); highest among the groups gnomAD compares: Middle Eastern, 0.016%; no homozygotes.

Submissions (2):

Labcorp Genetics (formerly Invitae), Labcorp
Classification: Uncertain significance. Last evaluated: 2025-12-10. Review status: criteria provided, single submitter. Criteria: Invitae Variant Classification Sherloc (09022015). Collection method: clinical testing. Allele origin: germline.
Comment: This sequence change replaces arginine, which is basic and polar, with histidine, which is basic and polar, at codon 331 of the DSCAML1 protein (p.Arg331His). The frequency data for this variant in the population databases is considered unreliable, as metrics indicate poor data quality at this position in the gnomAD database. This variant has not been reported in the literature in individuals affected with DSCAML1-related conditions. ClinVar contains an entry for this variant (Variation ID: 2070226). An algorithm developed to predict the effect of missense changes on protein structure and function (PolyPhen-2) suggests that this variant is likely to be disruptive. In summary, the available evidence is currently insufficient to determine the role of this variant in disease. Therefore, it has been classified as a Variant of Uncertain Significance.

Ambry Genetics
Classification: Uncertain significance. Last evaluated: 2024-07-06. Review status: criteria provided, single submitter. Criteria: Ambry Variant Classification Scheme 2023. Collection method: clinical testing. Allele origin: germline.

NM_020693.4(DSCAML1):c.812G>A (p.Arg271His)

Gene: DSCAML1 (DS cell adhesion molecule like 1; minus strand). Cytogenetic location: 11q23.3.
Variant type: single nucleotide variant.
Coding change: c.812G>A on transcript NM_020693.4 (MANE Select); coding-DNA position 812, G replaced by A.
Protein change: p.Arg271His; replaces arginine 271 with histidine.
Molecular consequence: missense variant.
Genome position (GRCh38, 1-based): chr11:117,524,930, C>T on the plus strand (G>A on the coding strand, the complement: DSCAML1 is on the minus strand). VCF-style: chr11-117524930-C-T. GRCh37 (hg19) VCF-style: chr11-117395645-C-T.
Other names: c.812G>A, p.Arg271His (NM_001367904.1); c.404G>A, p.Arg135His (NM_001367905.1); c.992G>A (NM_020693.2); short protein forms R135H, R271H.
Identifiers: ClinVar variation 2070226 (VCV002070226.5), dbSNP rs373862956, ClinGen allele CA229378528.